The following is an entry in ClinVar:

ClinVar aggregate classification (germline): Uncertain significance. Review status: criteria provided, multiple submitters, no conflicts (2 of 4 stars). 5 submissions from 5 submitters: Uncertain significance (5). Last evaluated 2025-05-29.

Conditions:
Congenital multicore myopathy with external ophthalmoplegia (CMYO1B). Also called: MULTICORE MYOPATHY; Congenital myopathy 1B, autosomal recessive; Minicore myopathy; MULTIMINICORE DISEASE WITH EXTERNAL OPHTHALMOPLEGIA; Minicore myopathy with external ophthalmoplegia. Identifiers: Orphanet 598, Orphanet 98905, MedGen C1850674, MONDO:0009712, OMIM 255320, HP:0003789.
Central core myopathy (CMYO1A). Also called: Central core disease; Myopathy, central fibrillar; CONGENITAL MYOPATHY 1A, AUTOSOMAL DOMINANT, WITH SUSCEPTIBILITY TO MALIGNANT HYPERTHERMIA. Identifiers: Orphanet 597, MedGen C5830701, MONDO:0007294, OMIM 117000.
Malignant hyperthermia, susceptibility to, 1 (MHS1). Also called: Malignant hyperthermia suceptibility 1; RYR1-Related Malignant Hyperthermia Susceptibility; Anesthesia related hyperthermia; Malignant hyperpyrexia; Fulminating hyperpyrexia; Pharmacogenic myopathy. Identifiers: Orphanet 423, MedGen C2930980, MONDO:0007783, OMIM 145600.
King Denborough syndrome (KDS). Identifiers: MedGen C1840365, MONDO:0020485, OMIM 619542.
Congenital myopathy with fiber type disproportion. Also called: Congenital fiber-type disproportion; Congenital fiber-type disproportion myopathy. Identifiers: MONDO:0009711, Orphanet 2020, MedGen C0546264. Inheritance: all.
RYR1-related disorder. Also called: RYR1-related disorders; RYR1-related condition. Identifiers: MedGen CN239331.

Allele frequency attached by ClinVar (database versions not stated): gnomAD exomes 0.00001; ExAC 0.00002.
gnomAD v4.1: 4 of 1,614,102 alleles (0.00025%); no homozygotes.

Submissions (5):

Color Diagnostics, LLC DBA Color Health
Classification: Uncertain significance for Malignant hyperthermia, susceptibility to, 1. Last evaluated: 2025-05-29. Review status: criteria provided, single submitter. Criteria: ACMG Guidelines, 2015. Collection method: clinical testing. Allele origin: germline.
Comment: This missense variant replaces glycine with valine at codon 4730 of the RYR1 protein. Computational prediction suggests that this variant may have deleterious impact on protein structure and function. To our knowledge, functional studies have not been reported for this variant. This variant has been reported in an individual lacking personal or family history of malignant hyperthermia susceptibility (PMID: 24195946). This variant has been identified in 3/251400 chromosomes in the general population by the Genome Aggregation Database (gnomAD). The available evidence is insufficient to determine the role of this variant in disease conclusively. Therefore, this variant is classified as a Variant of Uncertain Significance.

Labcorp Genetics (formerly Invitae), Labcorp
Classification: Uncertain significance for RYR1-related disorder. Last evaluated: 2024-03-16. Review status: criteria provided, single submitter. Criteria: Invitae Variant Classification Sherloc (09022015). Collection method: clinical testing. Allele origin: germline.
Comment: This sequence change replaces glycine, which is neutral and non-polar, with valine, which is neutral and non-polar, at codon 4730 of the RYR1 protein (p.Gly4730Val). This variant is present in population databases (rs763466452, gnomAD 0.03%). This missense change has been observed in individual(s) with clinical features of autosomal dominant RYR1-related conditions (Invitae). ClinVar contains an entry for this variant (Variation ID: 224405). Advanced modeling of protein sequence and biophysical properties (such as structural, functional, and spatial information, amino acid conservation, physicochemical variation, residue mobility, and thermodynamic stability) performed at Invitae indicates that this missense variant is expected to disrupt RYR1 protein function with a positive predictive value of 95%. In summary, the available evidence is currently insufficient to determine the role of this variant in disease. Therefore, it has been classified as a Variant of Uncertain Significance.

All of Us Research Program, National Institutes of Health
Classification: Uncertain significance for Malignant hyperthermia, susceptibility to, 1. Last evaluated: 2023-12-13. Review status: criteria provided, single submitter. Criteria: ACMG Guidelines, 2015. Collection method: clinical testing. Allele origin: germline. Inheritance: Autosomal dominant inheritance. Observed: 3 variant alleles, 3 heterozygotes.
Comment: This missense variant replaces glycine with valine at codon 4730 of the RYR1 protein. Computational prediction suggests that this variant may have deleterious impact on protein structure and function (internally defined REVEL score threshold >= 0.7, PMID: 27666373). To our knowledge, functional studies have not been reported for this variant. This variant has not been reported in individuals affected with RYR1-related disorders in the literature. This variant has been identified in 3/251400 chromosomes in the general population by the Genome Aggregation Database (gnomAD). The available evidence is insufficient to determine the role of this variant in disease conclusively. Therefore, this variant is classified as a Variant of Uncertain Significance.

This study involves interpretation of variants in research participants for the purpose of population health screening. Participant phenotype was not available at the time of variant classification. Additional details can be found in publication PMID: 35346344, PMCID: PMC8962531

Fulgent Genetics
Classification: Uncertain significance for Central core myopathy; Malignant hyperthermia, susceptibility to, 1; Congenital myopathy 4A, autosomal dominant; Congenital multicore myopathy with external ophthalmoplegia; King Denborough syndrome. Last evaluated: 2021-09-22. Review status: criteria provided, single submitter. Criteria: ACMG Guidelines, 2015. Collection method: clinical testing. Allele origin: unknown.

Biesecker Lab/Clinical Genomics Section, National Institutes of Health
Classification: Uncertain significance for Malignant hyperthermia, susceptibility to, 1. Last evaluated: 2013-07-01. Review status: criteria provided, single submitter. Criteria: Gonsalves et al. 2013. Collection method: research. Allele origin: unknown. Observed: 1 variant allele. Study: ClinSeq.
Comment: The study set was not selected for affection status in relation to any myopathy. Pathogenicity categories were based on literature curation. See Pubmed ID: 24195946 for details.

Literature cited by the submitters: PubMed 24195946 (cited by Color Diagnostics, LLC DBA Color Health).

NM_000540.3(RYR1):c.14189G>T (p.Gly4730Val)

Gene: RYR1 (ryanodine receptor 1; plus strand). Cytogenetic location: 19q13.2.
Variant type: single nucleotide variant.
Coding change: c.14189G>T on transcript NM_000540.3 (MANE Select); coding-DNA position 14189, G replaced by T.
Protein change: p.Gly4730Val; replaces glycine 4730 with valine.
Molecular consequence: missense variant.
Genome position (GRCh38, 1-based): chr19:38,577,934, G>T. VCF-style: chr19-38577934-G-T. GRCh37 (hg19) VCF-style: chr19-39068574-G-T.
Other names: c.14174G>T, p.Gly4725Val (NM_001042723.2); short protein forms G4730V, G4725V.
Identifiers: ClinVar variation 224405 (VCV000224405.10), dbSNP rs763466452, ClinGen allele CA060978.
Genomic context (GRCh38, chr19:38,577,934, plus strand): 5'-CACACTCCAGCTGTGTCTACACAGCCTGATGCTCTCTTGTGCAGGTCCTGGACAAACATG[G>T]GGACATCTACGGGCGGGAGCGGATTGCTGAGCTACTGGGCATGGACCTGGCCACACTAGA-3'
Protein context (NP_000531.2, residues 4720-4740): FVKRKVLDKH[Gly4730Val]DIYGRERIAE